The following is an entry in ClinVar:

ClinVar aggregate classification (germline): Uncertain significance (1 of 4 stars; one submission).

Allele frequency attached by ClinVar (database versions not stated): gnomAD 0.00005 and 0.00004; 1000 Genomes Project 0.00020; 1000 Genomes Project 30x 0.00031; gnomAD exomes 0.00001 and 0.00003; ExAC 0.00002; TOPMed 0.00004.
gnomAD v4.1: 29 of 1,611,978 alleles (0.0018%); highest among the groups gnomAD compares: East Asian, 0.011%; no homozygotes.

Submission:

Labcorp Genetics (formerly Invitae), Labcorp
Classification: Uncertain significance. Last evaluated: 2025-07-14. Review status: criteria provided, single submitter. Criteria: Invitae Variant Classification Sherloc (09022015). Collection method: clinical testing. Allele origin: germline.
Comment: This sequence change falls in intron 14 of the POLR1A gene. It does not directly change the encoded amino acid sequence of the POLR1A protein. It affects a nucleotide within the consensus splice site. This variant is present in population databases (rs367793944, gnomAD 0.01%). This variant has not been reported in the literature in individuals affected with POLR1A-related conditions. ClinVar contains an entry for this variant (Variation ID: 1356881). Variants that disrupt the consensus splice site are a relatively common cause of aberrant splicing (PMID: 17576681, 9536098). Algorithms developed to predict the effect of sequence changes on RNA splicing suggest that this variant is not likely to affect RNA splicing. In summary, the available evidence is currently insufficient to determine the role of this variant in disease. Therefore, it has been classified as a Variant of Uncertain Significance.

Literature cited by the submitters: PubMed 17576681; PubMed 9536098.

NM_015425.6(POLR1A):c.2058+3A>G

Gene: POLR1A (RNA polymerase I subunit A; minus strand). Cytogenetic location: 2p11.2.
Variant type: single nucleotide variant.
Coding change: c.2058+3A>G on transcript NM_015425.6 (MANE Select); 3 bases into the intron after coding-DNA position 2058, A replaced by G.
Molecular consequence: intron variant.
Genome position (GRCh38, 1-based): chr2:86,065,271, T>C on the plus strand (A>G on the coding strand, the complement: POLR1A is on the minus strand). VCF-style: chr2-86065271-T-C. GRCh37 (hg19) VCF-style: chr2-86292394-T-C.
Identifiers: ClinVar variation 1356881 (VCV001356881.6), dbSNP rs367793944, ClinGen allele CA1746183.
Genomic context (GRCh38, chr2:86,065,271, plus strand): 5'-AACCTTTTACATGAGTGGCCTATTTCCTTTTGTTACATACACTGGCTGTTCTCTCCCAAT[T>C]ACCTGTTTTCCTGTCCACAGCGGAAAGGGCTTCAGGATGGAAGGAGAAAGGAGCTTCACG-3'